The following is an entry in ClinVar:

ClinVar aggregate classification (germline): Likely pathogenic (1 of 4 stars; one submission).

Conditions:
Tyrosinase-positive oculocutaneous albinism (OCA2). Also called: Oculocutaneous albinism type 2; Albinism, oculocutaneous, type II; ALBINISM II. Identifiers: Orphanet 79432, MedGen C0268495, MONDO:0008746, OMIM 203200.

gnomAD v4.1: 1 of 1,614,210 alleles (0.000062%); highest among the groups gnomAD compares: Non-Finnish European, 0.000085%; no homozygotes.

Submission:

Myriad Genetics, Inc.
Classification: Likely pathogenic for Tyrosinase-positive oculocutaneous albinism. Last evaluated: 2025-09-22. Review status: criteria provided, single submitter. Criteria: Myriad Autosomal Dominant, Autosomal Recessive and X-Linked Classification Criteria (2023). Collection method: clinical testing. Allele origin: unknown.
Comment: NM_000275.2(OCA2):c.1444A>G(T482A) is a missense variant classified as likely pathogenic in the context of oculocutaneous albinism, OCA2-related. T482A has been observed in cases with relevant disease (PMID: 34707637, 34838614, 37471664). Relevant functional assessments of this variant are not available in the literature. T482A has not been observed in referenced population frequency databases. In summary, NM_000275.2(OCA2):c.1444A>G(T482A) is a missense variant that has been observed more frequently in cases with the relevant disease than in healthy populations. Please note: this variant was assessed in the context of healthy population screening.

Literature cited by the submitters: PubMed 34707637; PubMed 34838614; PubMed 37471664.

NM_000275.3(OCA2):c.1444A>G (p.Thr482Ala)

Gene: OCA2 (OCA2 melanosomal transmembrane protein; minus strand). Cytogenetic location: 15q13.1.
Variant type: single nucleotide variant.
Coding change: c.1444A>G on transcript NM_000275.3 (MANE Select); coding-DNA position 1444, A replaced by G.
Protein change: p.Thr482Ala; replaces threonine 482 with alanine.
Molecular consequence: missense variant.
Genome position (GRCh38, 1-based): chr15:27,983,404, T>C on the plus strand (A>G on the coding strand, the complement: OCA2 is on the minus strand). VCF-style: chr15-27983404-T-C. GRCh37 (hg19) VCF-style: chr15-28228550-T-C.
Other names: c.1372A>G, p.Thr458Ala (NM_001300984.2); short protein forms T482A, T458A.
Identifiers: ClinVar variation 5004173 (VCV005004173.1).